The following is an entry in ClinVar:

ClinVar aggregate classification (germline): Uncertain significance. Review status: criteria provided, multiple submitters, no conflicts (2 of 4 stars). 2 submissions from 2 submitters: Uncertain significance (2). Last evaluated 2026-04-11.

Conditions:
Aortic aneurysm, familial thoracic 8 (AAT8). Identifiers: MedGen C3809513, MONDO:0014187, OMIM 615436.
Familial thoracic aortic aneurysm and aortic dissection (TAAD). Also called: Thoracic aortic aneurysms and dissections. Identifiers: Orphanet 91387, MedGen C4707243, MONDO:0019625.

Allele frequency attached by ClinVar (database versions not stated): gnomAD exomes 0.00001.
gnomAD v4.1: 9 of 1,613,744 alleles (0.00056%); highest among the groups gnomAD compares: Non-Finnish European, 0.00068%; no homozygotes.

Submissions (2):

Ambry Genetics
Classification: Uncertain significance for Familial thoracic aortic aneurysm and aortic dissection. Last evaluated: 2026-04-11. Review status: criteria provided, single submitter. Criteria: Ambry Variant Classification Scheme 2023. Collection method: clinical testing. Allele origin: germline.
Comment: The p.Y262H variant (also known as c.784T>C), located in coding exon 6 of the PRKG1 gene, results from a T to C substitution at nucleotide position 784. The tyrosine at codon 262 is replaced by histidine, an amino acid with similar properties. This amino acid position is conserved. In addition, this alteration is predicted to be deleterious by in silico analysis. Based on the available evidence, the clinical significance of this variant remains unclear.

Labcorp Genetics (formerly Invitae), Labcorp
Classification: Uncertain significance for Aortic aneurysm, familial thoracic 8. Last evaluated: 2023-09-05. Review status: criteria provided, single submitter. Criteria: Invitae Variant Classification Sherloc (09022015). Collection method: clinical testing. Allele origin: germline.
Comment: In summary, the available evidence is currently insufficient to determine the role of this variant in disease. Therefore, it has been classified as a Variant of Uncertain Significance. This sequence change replaces tyrosine, which is neutral and polar, with histidine, which is basic and polar, at codon 262 of the PRKG1 protein (p.Tyr262His). This variant is not present in population databases (gnomAD no frequency). This variant has not been reported in the literature in individuals affected with PRKG1-related conditions. ClinVar contains an entry for this variant (Variation ID: 2559411). An algorithm developed to predict the effect of missense changes on protein structure and function (PolyPhen-2) suggests that this variant is likely to be disruptive.

NM_006258.4(PRKG1):c.784T>C (p.Tyr262His)

Gene: PRKG1 (protein kinase cGMP-dependent 1; plus strand). Cytogenetic location: 10q21.1.
Variant type: single nucleotide variant.
Coding change: c.784T>C on transcript NM_006258.4 (MANE Select); coding-DNA position 784, T replaced by C.
Protein change: p.Tyr262His; replaces tyrosine 262 with histidine.
Molecular consequence: missense variant. On other transcripts: 5 prime UTR variant (1).
Genome position (GRCh38, 1-based): chr10:52,054,505, T>C. VCF-style: chr10-52054505-T-C. GRCh37 (hg19) VCF-style: chr10-53814265-T-C.
Other names: c.739T>C, p.Tyr247His (NM_001098512.3); c.-426T>C (NM_001374781.1); c.784T>C, p.Tyr262His (NM_001374782.1); short protein forms Y247H, Y262H.
Identifiers: ClinVar variation 2559411 (VCV002559411.6), dbSNP rs754729841, ClinGen allele CA207375927.
Genomic context (GRCh38, chr10:52,054,505, plus strand): 5'-GCTTGCTTAATTTTTTTTCTTATTGTTTCTACTTTTCAGACCCACTATGAAAATGGAGAA[T>C]ATATTATCAGGCAAGGTGCAAGAGGGGACACCTTCTTTATCATCAGCAAAGGAACGGTAA-3'
Protein context (NP_006249.1, residues 252-272): LEETHYENGE[Tyr262His]IIRQGARGDT